The following is an entry in ClinVar:

NM_144643.4(SCLT1):c.235-1116G>A

Gene: SCLT1 (sodium channel and clathrin linker 1; minus strand). Cytogenetic location: 4q28.2.
Variant type: single nucleotide variant.
Coding change: c.235-1116G>A on transcript NM_144643.4 (MANE Select); 1116 bases into the intron before coding-DNA position 235, G replaced by A.
Molecular consequence: intron variant. On other transcripts: missense variant (1).
Genome position (GRCh38, 1-based): chr4:129,040,212, C>T on the plus strand (G>A on the coding strand, the complement: SCLT1 is on the minus strand). VCF-style: chr4-129040212-C-T. GRCh37 (hg19) VCF-style: chr4-129961367-C-T.
Other names: c.235G>A, p.Ala79Thr (NM_001300897.2); c.235-1116G>A (NM_001410807.1, NM_001300898.2); short protein forms A79T.
Identifiers: ClinVar variation 4979164 (VCV004979164.1).

ClinVar aggregate classification (germline): Uncertain significance (1 of 4 stars; one submission).

Conditions:
SCLT1-related disorder. Also called: SCLT1-related condition.

gnomAD v4.1: 51 of 702,366 alleles (0.0073%); highest among the groups gnomAD compares: Non-Finnish European, 0.013%; no homozygotes.

Submission:

PreventionGenetics, part of Exact Sciences
Classification: Uncertain significance for SCLT1-related condition. Last evaluated: 2026-04-07. Review status: criteria provided, single submitter. Criteria: ACMG Guidelines, 2015. Collection method: clinical testing. Allele origin: germline.
Comment: The SCLT1 c.235G>A variant is predicted to result in the amino acid substitution p.Ala79Thr. To our knowledge, this variant has not been reported in the literature. This variant is reported in 0.012% of alleles in individuals of European (non-Finnish) descent in gnomAD. At this time, the clinical significance of this variant is uncertain due to the absence of conclusive functional and genetic evidence.